The following is an entry in ClinVar:

NM_000051.4(ATM):c.8871C>G (p.Leu2957=)

Genes: ATM (ATM serine/threonine kinase; plus strand), C11orf65 (chromosome 11 open reading frame 65; minus strand). Cytogenetic location: 11q22.3.
Variant type: single nucleotide variant.
Coding change: c.8871C>G on transcript NM_000051.4 (MANE Select); coding-DNA position 8871, C replaced by G.
Protein change: p.Leu2957=; no amino-acid change (leucine 2957 retained).
Molecular consequence: synonymous variant. On other transcripts: intron variant (2).
Genome position (GRCh38, 1-based): chr11:108,365,102, C>G. VCF-style: chr11-108365102-C-G. GRCh37 (hg19) VCF-style: chr11-108235829-C-G.
Other names: c.8871C>G, p.Leu2957= (NM_001351834.2); c.640+20818G>C (NM_001330368.2); c.694+20818G>C (NM_001351110.2).
Identifiers: ClinVar variation 766121 (VCV000766121.13), dbSNP rs1555151266, ClinGen allele CA6266488.

ClinVar aggregate classification (germline): Benign/Likely benign. Review status: criteria provided, multiple submitters, no conflicts (2 of 4 stars). 4 submissions from 4 submitters: Benign (1); Likely benign (3). Last evaluated 2024-11-27.

Conditions:
Hereditary cancer-predisposing syndrome. Also called: Tumor predisposition; Hereditary neoplastic syndrome; Neoplastic Syndromes, Hereditary; Hereditary Cancer Syndrome. Identifiers: Orphanet 140162, MedGen C0027672, MeSH D009386, MONDO:0015356.
Familial cancer of breast. Also called: Hereditary breast cancer; BREAST CANCER, FAMILIAL; hereditary breast carcinoma. Identifiers: Orphanet 227535, MedGen C0346153, MONDO:0016419, OMIM 114480. Disease mechanism: loss of function.
Ataxia-telangiectasia syndrome (AT). Also called: Ataxia-telangiectasia, complementation group D; AT, COMPLEMENTATION GROUP C; ATAXIA-TELANGIECTASIA, COMPLEMENTATION GROUP A; ATAXIA-TELANGIECTASIA, FRESNO VARIANT; Ataxia-telangiectasia; LOUIS-BAR SYNDROME. Identifiers: Orphanet 100, MedGen C0004135, MONDO:0008840, OMIM 208900.

Allele frequency attached by ClinVar (database versions not stated): ExAC 0.00001; gnomAD exomes 0.00001.
gnomAD v4.1: 12 of 1,614,180 alleles (0.00074%); highest among the groups gnomAD compares: Admixed American, 0.0017%; no homozygotes.

Submissions (4):

Labcorp Genetics (formerly Invitae), Labcorp
Classification: Likely benign for Ataxia-telangiectasia syndrome. Last evaluated: 2024-11-27. Review status: criteria provided, single submitter. Criteria: Invitae Variant Classification Sherloc (09022015). Collection method: clinical testing. Allele origin: germline.

Color Diagnostics, LLC DBA Color Health
Classification: Likely benign for Hereditary cancer-predisposing syndrome. Last evaluated: 2024-08-19. Review status: criteria provided, single submitter. Criteria: ACMG Guidelines, 2015. Collection method: clinical testing. Allele origin: germline.

Myriad Genetics, Inc.
Classification: Benign for Familial cancer of breast. Last evaluated: 2024-06-21. Review status: criteria provided, single submitter. Criteria: Myriad Autosomal Dominant, Autosomal Recessive and X-Linked Classification Criteria (2023). Collection method: clinical testing. Allele origin: unknown.
Comment: This variant is considered benign. This variant is a silent/synonymous amino acid change and it is not expected to impact splicing.

Ambry Genetics
Classification: Likely benign for Hereditary cancer-predisposing syndrome. Last evaluated: 2021-02-17. Review status: criteria provided, single submitter. Criteria: Ambry Variant Classification Scheme 2023. Collection method: clinical testing. Allele origin: germline.